The following is an entry in ClinVar:

ClinVar aggregate classification (germline): Pathogenic/Likely pathogenic. Review status: criteria provided, multiple submitters, no conflicts (2 of 4 stars). 3 submissions from 3 submitters: Pathogenic (2); Likely pathogenic (1). Last evaluated 2026-06-02.

Conditions:
Cardiovascular phenotype. Identifiers: MedGen CN230736.
Hereditary cancer-predisposing syndrome. Also called: Neoplastic Syndromes, Hereditary; Tumor predisposition; Hereditary Cancer Syndrome; Hereditary neoplastic syndrome. Identifiers: Orphanet 140162, MedGen C0027672, MeSH D009386, MONDO:0015356.
Juvenile myelomonocytic leukemia (JMML). Also called: LEUKEMIA, JUVENILE MYELOMONOCYTIC, SOMATIC. Identifiers: Orphanet 86834, MedGen C0349639, MONDO:0011908, OMIM 607785, HP:0012209.
Neurofibromatosis, type 1 (NF1). Also called: Peripheral type neurofibromatosis; NEUROFIBROMATOSIS, TYPE I, SOMATIC; Neurofibromatosis, type I; VON RECKLINGHAUSEN DISEASE. Identifiers: Orphanet 636, MedGen C0027831, MONDO:0018975, OMIM 162200. Disease mechanism: loss of function.

Submissions (3):

Ambry Genetics
Classification: Pathogenic for Cardiovascular phenotype; Hereditary cancer-predisposing syndrome. Last evaluated: 2026-06-02. Review status: criteria provided, single submitter. Criteria: Ambry Variant Classification Scheme 2023. Collection method: clinical testing. Allele origin: germline.
Comment: The c.5798C>A (p.S1933*) alteration, located in exon 39 (coding exon 39) of the NF1 gene, consists of a C to A substitution at nucleotide position 5798. This changes the amino acid from a serine (S) to a stop codon at amino acid position 1933. This variant is expected to result in loss of function by premature protein truncation or nonsense-mediated mRNA decay. This variant was not reported in population-based cohorts in the Genome Aggregation Database (gnomAD). Based on the available evidence, this alteration is classified as pathogenic.

Labcorp Genetics (formerly Invitae), Labcorp
Classification: Pathogenic for Neurofibromatosis, type 1. Last evaluated: 2026-01-12. Review status: criteria provided, single submitter. Criteria: Invitae Variant Classification Sherloc (09022015). Collection method: clinical testing. Allele origin: germline.
Comment: This sequence change creates a premature translational stop signal (p.Ser1933*) in the NF1 gene. It is expected to result in an absent or disrupted protein product. Loss-of-function variants in NF1 are known to be pathogenic (PMID: 10712197, 23913538). This variant is not present in population databases (gnomAD no frequency). This premature translational stop signal has been observed in individual(s) with neurofibromatosis type 1 (PMID: 10862084, 21362601). ClinVar contains an entry for this variant (Variation ID: 1749687). For these reasons, this variant has been classified as Pathogenic.

Baylor Genetics
Classification: Likely pathogenic for Juvenile myelomonocytic leukemia. Last evaluated: 2021-11-05. Review status: criteria provided, single submitter. Criteria: ACMG Guidelines, 2015. Collection method: clinical testing. Allele origin: unknown.

Literature cited by the submitters: PubMed 10712197 (cited by Labcorp Genetics (formerly Invitae), Labcorp); PubMed 23913538 (cited by Labcorp Genetics (formerly Invitae), Labcorp); PubMed 10862084 (cited by Labcorp Genetics (formerly Invitae), Labcorp); PubMed 21362601 (cited by Labcorp Genetics (formerly Invitae), Labcorp).

NM_001042492.3(NF1):c.5861C>A (p.Ser1954Ter)

Gene: NF1 (neurofibromin 1; plus strand). Cytogenetic location: 17q11.2.
Variant type: single nucleotide variant.
Coding change: c.5861C>A on transcript NM_001042492.3 (MANE Select); coding-DNA position 5861, C replaced by A.
Protein change: p.Ser1954Ter; replaces serine 1954 with a stop codon.
Molecular consequence: nonsense.
Genome position (GRCh38, 1-based): chr17:31,334,886, C>A. VCF-style: chr17-31334886-C-A. GRCh37 (hg19) VCF-style: chr17-29661904-C-A.
Other names: c.5798C>A, p.Ser1933Ter (NM_000267.4); short protein forms S1954*, S1933*.
Identifiers: ClinVar variation 1749687 (VCV001749687.7), dbSNP rs2069602711, ClinGen allele CA399010659.